The following is an entry in ClinVar:

NM_000053.4(ATP7B):c.1944G>A (p.Lys648=)

Gene: ATP7B (ATPase copper transporting beta; minus strand). Cytogenetic location: 13q14.3.
Variant type: single nucleotide variant.
Coding change: c.1944G>A on transcript NM_000053.4 (MANE Select); coding-DNA position 1944, G replaced by A.
Protein change: p.Lys648=; no amino-acid change (lysine 648 retained).
Molecular consequence: synonymous variant. On other transcripts: intron variant (2).
Genome position (GRCh38, 1-based): chr13:51,961,839, C>T on the plus strand (G>A on the coding strand, the complement: ATP7B is on the minus strand). VCF-style: chr13-51961839-C-T. GRCh37 (hg19) VCF-style: chr13-52535975-C-T.
Other names: c.1611G>A, p.Lys537= (NM_001243182.2); c.1944G>A, p.Lys648= (NM_001330578.2); c.1869+3033G>A (NM_001005918.3, NM_001330579.2).
Identifiers: ClinVar variation 754717 (VCV000754717.9), dbSNP rs1302960255, ClinGen allele CA483896404.

ClinVar aggregate classification (germline): Likely benign. Review status: criteria provided, multiple submitters, no conflicts (2 of 4 stars). 2 submissions from 2 submitters: Likely benign (2). Last evaluated 2024-08-06.

Conditions:
Wilson disease (WND). Also called: Wilson's disease. Identifiers: Orphanet 905, MedGen C0019202, MONDO:0010200, OMIM 277900. Disease mechanism: loss of function.

Allele frequency attached by ClinVar (database versions not stated): TOPMed below 0.00001; gnomAD 0.00001.
gnomAD v4.1: 1 of 1,613,458 alleles (0.000062%); highest among the groups gnomAD compares: Non-Finnish European, 0.000085%; no homozygotes.

Submissions (2):

Labcorp Genetics (formerly Invitae), Labcorp
Classification: Likely benign for Wilson disease. Last evaluated: 2024-08-06. Review status: criteria provided, single submitter. Criteria: Invitae Variant Classification Sherloc (09022015). Collection method: clinical testing. Allele origin: germline.

All of Us Research Program, National Institutes of Health
Classification: Likely benign for Wilson disease. Last evaluated: 2024-03-24. Review status: criteria provided, single submitter. Criteria: ACMG Guidelines, 2015. Collection method: clinical testing. Allele origin: germline. Inheritance: Autosomal recessive inheritance. Observed: 1 variant allele, 1 heterozygote.
Comment: This study involves interpretation of variants in research participants for the purpose of population health screening. Participant phenotype was not available at the time of variant classification. Additional details can be found in publication PMID: 35346344, PMCID: PMC8962531